The following is an entry in ClinVar:

NM_181882.3(PRX):c.-239G>A

Gene: PRX (periaxin; minus strand). Cytogenetic location: 19q13.2.
Variant type: single nucleotide variant.
Coding change: c.-239G>A on transcript NM_181882.3 (MANE Select); 239 bases upstream of the start codon, G replaced by A.
Molecular consequence: 5 prime UTR variant. On other transcripts: missense variant (1).
Genome position (GRCh38, 1-based): chr19:40,408,380, C>T on the plus strand (G>A on the coding strand, the complement: PRX is on the minus strand). VCF-style: chr19-40408380-C-T. GRCh37 (hg19) VCF-style: chr19-40914287-C-T.
Other names: c.47G>A, p.Arg16His (NM_001411127.1); c.-239G>A (NM_020956.2); short protein forms R16H.
Identifiers: ClinVar variation 4987544 (VCV004987544.1).

ClinVar aggregate classification (germline): Likely benign (1 of 4 stars; one submission).

Conditions:
PRX-related disorder. Also called: PRX-related condition; PRX-Related Disorders.

gnomAD v4.1: 12 of 293,020 alleles (0.0041%); highest among the groups gnomAD compares: Admixed American, 0.035%; no homozygotes.

Submission:

PreventionGenetics, part of Exact Sciences
Classification: Likely benign for PRX-related condition. Last evaluated: 2025-10-11. Review status: criteria provided, single submitter. Criteria: ACMG Guidelines, 2015. Collection method: clinical testing. Allele origin: germline.
Comment: This variant is classified as likely benign based on ACMG/AMP sequence variant interpretation guidelines (Richards et al. 2015 PMID: 25741868, with internal and published modifications).